The following is an entry in ClinVar:

ClinVar aggregate classification (germline): Conflicting classifications of pathogenicity. Review status: criteria provided, conflicting classifications (1 of 4 stars). 4 submissions from 4 submitters: Uncertain significance (3); Likely benign (1). Last evaluated 2026-06-11.

Conditions:
Developmental and epileptic encephalopathy, 1 (DEE1). Also called: OHTAHARA SYNDROME, X-LINKED; INFANTILE SPASM SYNDROME, X-LINKED 1; Epileptic encephalopathy, early infantile, 1; X-linked infantile spasms; West's syndrome; Tonic spasms with clustering, arrest of psychomotor development and hypsarrhythmia on EEG. Identifiers: MedGen C3463992, MONDO:0010632, OMIM 308350. Disease mechanism: loss of function.
Intellectual disability, X-linked, with or without seizures, ARX-related. Also called: MENTAL RETARDATION, X-LINKED 29; MENTAL RETARDATION, X-LINKED 32; MENTAL RETARDATION, X-LINKED 33; MENTAL RETARDATION, X-LINKED 38; MENTAL RETARDATION, X-LINKED 43; MENTAL RETARDATION, X-LINKED 76. Identifiers: Orphanet 777, MedGen C0796244, MONDO:0010317, OMIM 300419.

Allele frequency attached by ClinVar (database versions not stated): gnomAD 0.00001 and 0.00002; gnomAD exomes 0.00001; TOPMed 0.00001.
gnomAD v4.1: 6 of 1,069,487 alleles (0.00056%); highest among the groups gnomAD compares: East Asian, 0.0078%; no homozygotes.

Submissions (4):

Centre for Medical Genetics,  Mumbai
Classification: Likely benign for Developmental and epileptic encephalopathy, 1. Last evaluated: 2026-06-11. Review status: criteria provided, single submitter. Criteria: ACMG Guidelines, 2015. Collection method: provider interpretation. Allele origin: germline. Inheritance: X-linked recessive inheritance. Affected: no. Observed: 1 variant allele, 1 hemizygote.
Comment: The variant satisfies PM2 criteria - extremely low frequency in gnomAD population databases. The variant satisfies BP4 criteria - for a missense or a splice region variant, computational prediction tools unanimously support a benign effect on the gene. The variant satisfies BP6 criteria - reputable source recently reports variant as benign, but the evidence is not available to the laboratory to perform an independent evaluation. However, the variant satisfies BS2 criteria - present in hemizygous state in an individual that clinically does not have Developmental and epileptic encephalopathy.

Women's Health and Genetics/Laboratory Corporation of America, LabCorp
Classification: Uncertain significance. Last evaluated: 2026-03-20. Review status: criteria provided, single submitter. Criteria: LabCorp Variant Classification Summary - May 2015. Collection method: clinical testing. Allele origin: germline.
Comment: Variant summary: ARX c.592G>A (p.Val198Ile) results in a conservative amino acid change in the encoded protein sequence. Algorithms developed to predict the effect of missense changes on protein structure and function all suggest that this variant is likely to be tolerated. The frequency data for this variant in gnomAD is considered unreliable, as metrics indicate poor data quality at this position. To our knowledge, no occurrence of c.592G>A in individuals affected with ARX-related conditions and no experimental evidence demonstrating its impact on protein function have been reported. ClinVar contains an entry for this variant (Variation ID: 1356185). Based on the evidence outlined above, the variant was classified as uncertain significance.

Labcorp Genetics (formerly Invitae), Labcorp
Classification: Uncertain significance for Developmental and epileptic encephalopathy, 1; Intellectual disability, X-linked, with or without seizures, ARX-related. Last evaluated: 2025-09-08. Review status: criteria provided, single submitter. Criteria: Invitae Variant Classification Sherloc (09022015). Collection method: clinical testing. Allele origin: germline.
Comment: This sequence change replaces valine, which is neutral and non-polar, with isoleucine, which is neutral and non-polar, at codon 198 of the ARX protein (p.Val198Ile). The frequency data for this variant in the population databases is considered unreliable, as metrics indicate poor data quality at this position in the gnomAD database. This variant has not been reported in the literature in individuals affected with ARX-related conditions. ClinVar contains an entry for this variant (Variation ID: 1356185). Invitae Evidence Modeling of protein sequence and biophysical properties (such as structural, functional, and spatial information, amino acid conservation, physicochemical variation, residue mobility, and thermodynamic stability) indicates that this missense variant is not expected to disrupt ARX protein function with a negative predictive value of 95%. In summary, the available evidence is currently insufficient to determine the role of this variant in disease. Therefore, it has been classified as a Variant of Uncertain Significance.

CeGaT Center for Human Genetics Tuebingen
Classification: Uncertain significance. Last evaluated: 2023-09-01. Review status: criteria provided, single submitter. Criteria: CeGaT Center For Human Genetics Tuebingen Variant Classification Criteria Version 2. Collection method: clinical testing. Allele origin: germline. Affected: yes. Observed: 1 variant allele.
Comment: ARX: PM2, PP2

Literature cited by the submitters: PubMed 11889467 (cited by Centre for Medical Genetics,  Mumbai).

NM_139058.3(ARX):c.592G>A (p.Val198Ile)

Gene: ARX (aristaless related homeobox; minus strand). Cytogenetic location: Xp21.3.
Variant type: single nucleotide variant.
Coding change: c.592G>A on transcript NM_139058.3 (MANE Select); coding-DNA position 592, G replaced by A.
Protein change: p.Val198Ile; replaces valine 198 with isoleucine.
Molecular consequence: missense variant.
Genome position (GRCh38, 1-based): chrX:25,013,403, C>T on the plus strand (G>A on the coding strand, the complement: ARX is on the minus strand). VCF-style: chrX-25013403-C-T. GRCh37 (hg19) VCF-style: chrX-25031520-C-T.
Other names: short protein forms V198I.
Identifiers: ClinVar variation 1356185 (VCV001356185.32), dbSNP rs966816905, ClinGen allele CA327733052.